The following is an entry in ClinVar:

NM_032119.4(ADGRV1):c.663C>T (p.Leu221=)

Gene: ADGRV1 (adhesion G protein-coupled receptor V1; plus strand). Cytogenetic location: 5q14.3.
Variant type: single nucleotide variant.
Coding change: c.663C>T on transcript NM_032119.4 (MANE Select); coding-DNA position 663, C replaced by T.
Protein change: p.Leu221=; no amino-acid change (leucine 221 retained).
Molecular consequence: synonymous variant. On other transcripts: non-coding transcript variant (1).
Genome position (GRCh38, 1-based): chr5:90,625,234, C>T. VCF-style: chr5-90625234-C-T. GRCh37 (hg19) VCF-style: chr5-89921051-C-T.
Identifiers: ClinVar variation 1122195 (VCV001122195.22), dbSNP rs1185984328, ClinGen allele CA445404058.

ClinVar aggregate classification (germline): Likely benign. Review status: criteria provided, multiple submitters, no conflicts (2 of 4 stars). 2 submissions from 2 submitters: Likely benign (2). Last evaluated 2026-01-11.

Allele frequency attached by ClinVar (database versions not stated): gnomAD exomes 0.00001.
gnomAD v4.1: 13 of 1,607,068 alleles (0.00081%); highest among the groups gnomAD compares: Admixed American, 0.0033%; no homozygotes.

Submissions (2):

Labcorp Genetics (formerly Invitae), Labcorp
Classification: Likely benign. Last evaluated: 2026-01-11. Review status: criteria provided, single submitter. Criteria: Invitae Variant Classification Sherloc (09022015). Collection method: clinical testing. Allele origin: germline.

CeGaT Center for Human Genetics Tuebingen
Classification: Likely benign. Last evaluated: 2024-12-01. Review status: criteria provided, single submitter. Criteria: CeGaT Center For Human Genetics Tuebingen Variant Classification Criteria Version 2. Collection method: clinical testing. Allele origin: germline. Affected: yes. Observed: 1 variant allele.
Comment: ADGRV1: BP4, BP7